The following is an entry in ClinVar:

ClinVar aggregate classification (germline): Pathogenic (1 of 4 stars; one submission).

Submission:

Labcorp Genetics (formerly Invitae), Labcorp
Classification: Pathogenic. Last evaluated: 2025-11-20. Review status: criteria provided, single submitter. Criteria: Invitae Variant Classification Sherloc (09022015). Collection method: clinical testing. Allele origin: germline.
Comment: This sequence change affects an acceptor splice site in intron 12 of the OCA2 gene. It is expected to disrupt RNA splicing. Variants that disrupt the donor or acceptor splice site typically lead to a loss of protein function (PMID: 16199547), and loss-of-function variants in OCA2 are known to be pathogenic (PMID: 19865097, 21541274). This variant is not present in population databases (gnomAD no frequency). Disruption of this splice site has been observed in individual(s) with ocular albinism (internal data). In at least one individual the data is consistent with being in trans (on the opposite chromosome) from a pathogenic variant. Algorithms developed to predict the effect of sequence changes on RNA splicing suggest that this variant may disrupt the consensus splice site. For these reasons, this variant has been classified as Pathogenic.

Literature cited by the submitters: PubMed 16199547; PubMed 19865097; PubMed 21541274.

NM_000275.3(OCA2):c.1240-2A>C

Gene: OCA2 (OCA2 melanosomal transmembrane protein; minus strand). Cytogenetic location: 15q13.1.
Variant type: single nucleotide variant.
Coding change: c.1240-2A>C on transcript NM_000275.3 (MANE Select); the canonical splice acceptor site of the intron before coding-DNA position 1240, A replaced by C.
Molecular consequence: splice acceptor variant.
Genome position (GRCh38, 1-based): chr15:27,985,190, T>G on the plus strand (A>C on the coding strand, the complement: OCA2 is on the minus strand). VCF-style: chr15-27985190-T-G. GRCh37 (hg19) VCF-style: chr15-28230336-T-G.
Other names: c.1168-2A>C (NM_001300984.2).
Identifiers: ClinVar variation 4728040 (VCV004728040.1).